The following is an entry in ClinVar:

NM_004329.3(BMPR1A):c.531-15C>T

Gene: BMPR1A (bone morphogenetic protein receptor type 1A; plus strand). Cytogenetic location: 10q23.2.
Variant type: single nucleotide variant.
Coding change: c.531-15C>T on transcript NM_004329.3 (MANE Select); 15 bases into the intron before coding-DNA position 531, C replaced by T.
Molecular consequence: intron variant.
Genome position (GRCh38, 1-based): chr10:86,912,225, C>T. VCF-style: chr10-86912225-C-T. GRCh37 (hg19) VCF-style: chr10-88671982-C-T.
Identifiers: ClinVar variation 1979682 (VCV001979682.5), dbSNP rs1843500488, ClinGen allele CA2580082068.

ClinVar aggregate classification (germline): Likely benign. Review status: criteria provided, multiple submitters, no conflicts (2 of 4 stars). 2 submissions from 2 submitters: Likely benign (2). Last evaluated 2025-04-18.

Conditions:
Juvenile polyposis syndrome (JPS). Identifiers: Orphanet 2929, MedGen C0345893, MONDO:0017380, OMIM 174900.

Allele frequency attached by ClinVar (database versions not stated): gnomAD exomes below 0.00001.
gnomAD v4.1: 1 of 1,612,242 alleles (0.000062%); highest among the groups gnomAD compares: Non-Finnish European, 0.000085%; no homozygotes.

Submissions (2):

Labcorp Genetics (formerly Invitae), Labcorp
Classification: Likely benign for Juvenile polyposis syndrome. Last evaluated: 2025-04-18. Review status: criteria provided, single submitter. Criteria: Invitae Variant Classification Sherloc (09022015). Collection method: clinical testing. Allele origin: germline.

Myriad Genetics, Inc.
Classification: Likely benign for Juvenile polyposis syndrome. Last evaluated: 2024-08-01. Review status: criteria provided, single submitter. Criteria: Myriad Autosomal Dominant, Autosomal Recessive and X-Linked Classification Criteria (2023). Collection method: clinical testing. Allele origin: unknown.
Comment: This variant is considered likely benign. This variant is intronic and is not expected to impact mRNA splicing.